The following is an entry in ClinVar:

NM_001430.5(EPAS1):c.2493T>G (p.Phe831Leu)

Gene: EPAS1 (endothelial PAS domain protein 1; plus strand). Cytogenetic location: 2p21.
Variant type: single nucleotide variant.
Coding change: c.2493T>G on transcript NM_001430.5 (MANE Select); coding-DNA position 2493, T replaced by G.
Protein change: p.Phe831Leu; replaces phenylalanine 831 with leucine.
Molecular consequence: missense variant.
Genome position (GRCh38, 1-based): chr2:46,384,540, T>G. VCF-style: chr2-46384540-T-G. GRCh37 (hg19) VCF-style: chr2-46611679-T-G.
Other names: short protein forms F831L.
Identifiers: ClinVar variation 1792112 (VCV001792112.2), dbSNP rs1684968243, ClinGen allele CA346706990.

ClinVar aggregate classification (germline): Uncertain significance (1 of 4 stars; one submission).

Conditions:
Inborn genetic diseases. Identifiers: MedGen C0950123, MeSH D030342.

Allele frequency attached by ClinVar (database versions not stated): gnomAD 0.00001; gnomAD exomes 0.00001.
gnomAD v4.1: 6 of 1,614,112 alleles (0.00037%); highest among the groups gnomAD compares: South Asian, 0.0066%; no homozygotes.

Submission:

Ambry Genetics
Classification: Uncertain significance for Inborn genetic diseases. Last evaluated: 2021-12-20. Review status: criteria provided, single submitter. Criteria: Ambry Variant Classification Scheme 2023. Collection method: clinical testing. Allele origin: germline.
Comment: The p.F831L variant (also known as c.2493T>G), located in coding exon 16 of the EPAS1 gene, results from a T to G substitution at nucleotide position 2493. The phenylalanine at codon 831 is replaced by leucine, an amino acid with highly similar properties. This amino acid position is conserved. In addition, this alteration is predicted to be tolerated by in silico analysis. Since supporting evidence is limited at this time, the clinical significance of this alteration remains unclear.